The following is an entry in ClinVar:

NM_002439.5(MSH3):c.664A>G (p.Asn222Asp)

Gene: MSH3 (mutS homolog 3; plus strand). Cytogenetic location: 5q14.1.
Variant type: single nucleotide variant.
Coding change: c.664A>G on transcript NM_002439.5 (MANE Select); coding-DNA position 664, A replaced by G.
Protein change: p.Asn222Asp; replaces asparagine 222 with aspartic acid.
Molecular consequence: missense variant.
Genome position (GRCh38, 1-based): chr5:80,670,181, A>G. VCF-style: chr5-80670181-A-G. GRCh37 (hg19) VCF-style: chr5-79966000-A-G.
Other names: short protein forms N222D.
Identifiers: ClinVar variation 3874954 (VCV003874954.1).
Genomic context (GRCh38, chr5:80,670,181, plus strand): 5'-CAGTTTGGATCATCAAATACAAGTCATGAAAATTTACAGAAAACTGCTTCCAAATCAGCT[A>G]ACAAACGGTCCAAAAGCATCTATACGCCGCTAGAATTACAATACATAGAAATGAAGCAGC-3'
Protein context (NP_002430.3, residues 212-232): NLQKTASKSA[Asn222Asp]KRSKSIYTPL

ClinVar aggregate classification (germline): Uncertain significance (1 of 4 stars; one submission).

Conditions:
Hereditary cancer-predisposing syndrome. Also called: Tumor predisposition; Neoplastic Syndromes, Hereditary; Hereditary Cancer Syndrome; Hereditary neoplastic syndrome. Identifiers: Orphanet 140162, MedGen C0027672, MeSH D009386, MONDO:0015356.

Submission:

Ambry Genetics
Classification: Uncertain significance for Hereditary cancer-predisposing syndrome. Last evaluated: 2024-12-20. Review status: criteria provided, single submitter. Criteria: Ambry Variant Classification Scheme 2023. Collection method: clinical testing. Allele origin: germline.
Comment: The p.N222D variant (also known as c.664A>G), located in coding exon 4 of the MSH3 gene, results from an A to G substitution at nucleotide position 664. The asparagine at codon 222 is replaced by aspartic acid, an amino acid with highly similar properties. This amino acid position is conserved. In addition, this alteration is predicted to be tolerated by in silico analysis. Based on the available evidence, the clinical significance of this variant remains unclear.